The following is an entry in ClinVar:

ClinVar aggregate classification (germline): Benign (1 of 4 stars; one submission).

Conditions:
X-linked lymphoproliferative disease due to XIAP deficiency. Also called: XIAP DEFICIENCY; XIAP-Related Lymphoproliferative Disease, X-Linked. Identifiers: Orphanet 2442, Orphanet 538934, MedGen C1845076, MONDO:0010385, OMIM 300635.

Allele frequency attached by ClinVar (database versions not stated): gnomAD exomes 0.00009 and 0.00221; gnomAD 0.00041 and 0.00050; ExAC 0.00104; 1000 Genomes Project 0.02887.
gnomAD v4.1: 62 of 321,149 alleles (0.019%); highest among the groups gnomAD compares: African/African-American, 0.15%; no homozygotes.

Submission:

Illumina Laboratory Services, Illumina
Classification: Benign for X-linked lymphoproliferative disease due to XIAP deficiency. Last evaluated: 2018-01-12. Review status: criteria provided, single submitter. Criteria: ICSL Variant Classification Criteria 13 December 2019. Collection method: clinical testing. Allele origin: germline.
Comment: This variant was observed in the ICSL laboratory as part of a predisposition screen in an ostensibly healthy population. It had not been previously curated by ICSL or reported in the Human Gene Mutation Database (HGMD: prior to June 1st, 2018), and was therefore a candidate for classification through an automated scoring system. Utilizing variant allele frequency, disease prevalence and penetrance estimates, and inheritance mode, an automated score was calculated to assess if this variant is too frequent to cause the disease. Based on the score and internal cut-off values, a variant classified as benign is not then subjected to further curation. The score for this variant resulted in a classification of benign for this disease.

NM_001167.4(XIAP):c.*4024C>T

Gene: XIAP (X-linked inhibitor of apoptosis; plus strand). Cytogenetic location: Xq25.
Variant type: single nucleotide variant.
Coding change: c.*4024C>T on transcript NM_001167.4 (MANE Select); 4024 bases downstream of the stop codon, C replaced by T.
Molecular consequence: 3 prime UTR variant. On other transcripts: non-coding transcript variant (2).
Genome position (GRCh38, 1-based): chrX:123,911,205, C>T. VCF-style: chrX-123911205-C-T. GRCh37 (hg19) VCF-style: chrX-123045055-C-T.
Other names: c.*4024C>T (NM_001204401.2, NM_001378590.1, NM_001378591.1 and 1 more transcripts).
Identifiers: ClinVar variation 367830 (VCV000367830.5), dbSNP rs28382750, ClinGen allele CA10508343.